The following is an entry in ClinVar:

ClinVar aggregate classification (germline): Uncertain significance (1 of 4 stars; one submission).

gnomAD v4.1: 3 of 1,613,510 alleles (0.00019%); highest among the groups gnomAD compares: Non-Finnish European, 0.00025%; no homozygotes.

Submission:

GeneDx
Classification: Uncertain significance. Last evaluated: 2024-06-05. Review status: criteria provided, single submitter. Criteria: GeneDx Variant Classification Process June 2021. Collection method: clinical testing. Allele origin: germline. Affected: yes.
Comment: Not observed at significant frequency in large population cohorts (gnomAD); In silico analysis indicates that this missense variant does not alter protein structure/function; Has not been previously published as pathogenic or benign to our knowledge

NM_015139.3(SLC35D1):c.728A>G (p.Lys243Arg)

Gene: SLC35D1 (solute carrier family 35 member D1; minus strand). Cytogenetic location: 1p31.3.
Variant type: single nucleotide variant.
Coding change: c.728A>G on transcript NM_015139.3 (MANE Select); coding-DNA position 728, A replaced by G.
Protein change: p.Lys243Arg; replaces lysine 243 with arginine.
Molecular consequence: missense variant.
Genome position (GRCh38, 1-based): chr1:67,042,237, T>C on the plus strand (A>G on the coding strand, the complement: SLC35D1 is on the minus strand). VCF-style: chr1-67042237-T-C. GRCh37 (hg19) VCF-style: chr1-67507920-T-C.
Other names: short protein forms K243R.
Identifiers: ClinVar variation 3384599 (VCV003384599.1).